The following is an entry in ClinVar:

ClinVar aggregate classification (germline): Uncertain significance. Review status: criteria provided, multiple submitters, no conflicts (2 of 4 stars). 5 submissions from 5 submitters: Uncertain significance (5). Last evaluated 2026-08-01.

Conditions:
UBE3A-related disorder. Also called: UBE3A-related condition.
Angelman syndrome (AS). Also called: HAPPY PUPPET SYNDROME. Identifiers: Orphanet 72, MedGen C0162635, MONDO:0007113, OMIM 105830. Disease mechanism: loss of function. Inheritance: AS is caused by disruption of maternally imprinted UBE3A located within the 15q11.2-q13 Angelman syndrome/Prader-Willi syndrome (AS/PWS) region., imprinting disorder.

Allele frequency attached by ClinVar (database versions not stated): gnomAD 0.00001; 1000 Genomes Project 30x 0.00016; 1000 Genomes Project 0.00020; TOPMed below 0.00001; gnomAD exomes below 0.00001.
gnomAD v4.1: 3 of 1,613,456 alleles (0.00019%); highest among the groups gnomAD compares: East Asian, 0.0067%; no homozygotes.

Submissions (5):

CeGaT Center for Human Genetics Tuebingen
Classification: Uncertain significance. Last evaluated: 2026-08-01. Review status: criteria provided, single submitter. Criteria: CeGaT Center For Human Genetics Tuebingen Variant Classification Criteria Version 2. Collection method: clinical testing. Allele origin: germline. Affected: yes. Observed: 1 variant allele.

Labcorp Genetics (formerly Invitae), Labcorp
Classification: Uncertain significance for Angelman syndrome. Last evaluated: 2025-10-20. Review status: criteria provided, single submitter. Criteria: Invitae Variant Classification Sherloc (09022015). Collection method: clinical testing. Allele origin: germline.
Comment: This sequence change replaces phenylalanine, which is neutral and non-polar, with leucine, which is neutral and non-polar, at codon 625 of the UBE3A protein (p.Phe625Leu). This variant is not present in population databases (gnomAD no frequency). This variant has not been reported in the literature in individuals affected with UBE3A-related conditions. ClinVar contains an entry for this variant (Variation ID: 96259). Invitae Evidence Modeling of protein sequence and biophysical properties (such as structural, functional, and spatial information, amino acid conservation, physicochemical variation, residue mobility, and thermodynamic stability) indicates that this missense variant is not expected to disrupt UBE3A protein function with a negative predictive value of 80%. In summary, the available evidence is currently insufficient to determine the role of this variant in disease. Therefore, it has been classified as a Variant of Uncertain Significance.

GeneDx
Classification: Uncertain significance. Last evaluated: 2024-10-03. Review status: criteria provided, single submitter. Criteria: GeneDx Variant Classification Process June 2021. Collection method: clinical testing. Allele origin: germline. Affected: yes.
Comment: Not observed at significant frequency in large population cohorts (gnomAD); In silico analysis supports that this missense variant has a deleterious effect on protein structure/function; Has not been previously published as pathogenic or benign to our knowledge

PreventionGenetics, part of Exact Sciences
Classification: Uncertain significance for UBE3A-related condition. Last evaluated: 2023-08-08. Review status: criteria provided, single submitter. Criteria: ACMG Guidelines, 2015. Collection method: clinical testing. Allele origin: germline.
Comment: The UBE3A c.1873T>C variant is predicted to result in the amino acid substitution p.Phe625Leu. To our knowledge, this variant has not been reported in the literature or in a large population database, indicating this variant is rare. At this time, the clinical significance of this variant is uncertain due to the absence of conclusive functional and genetic evidence.

Eurofins Ntd Llc (ga)
Classification: Uncertain significance. Last evaluated: 2013-04-04. Review status: criteria provided, single submitter. Criteria: EGL Classification Definitions 2015. Collection method: clinical testing. Allele origin: germline. Observed: 1 variant allele, 1 heterozygote.

NM_130839.5(UBE3A):c.1933T>C (p.Phe645Leu)

Genes: SNHG14 (small nucleolar RNA host gene 14; plus strand), UBE3A (ubiquitin protein ligase E3A; minus strand). Cytogenetic location: 15q11.2.
Variant type: single nucleotide variant.
Coding change: c.1933T>C on transcript NM_130839.5 (MANE Select); coding-DNA position 1933, T replaced by C.
Protein change: p.Phe645Leu; replaces phenylalanine 645 with leucine.
Molecular consequence: missense variant. On other transcripts: non-coding transcript variant (1).
Genome position (GRCh38, 1-based): chr15:25,356,717, A>G on the plus strand (T>C on the coding strand, the complement: UBE3A is on the minus strand). VCF-style: chr15-25356717-A-G. GRCh37 (hg19) VCF-style: chr15-25601864-A-G.
Other names: c.1942T>C, p.Phe648Leu (NM_000462.5); c.1933T>C, p.Phe645Leu (NM_001354505.1, NM_001354538.2, NM_001354545.2); c.1873T>C, p.Phe625Leu (NM_001354506.2, NM_001354507.2, NM_001354508.2 and 17 more transcripts); c.1756T>C, p.Phe586Leu (NM_001354546.2); c.682T>C, p.Phe228Leu (NM_001354550.2); c.622T>C, p.Phe208Leu (NM_001354551.2); short protein forms F625L, F208L, F586L, F228L, F645L, F648L.
Identifiers: ClinVar variation 96259 (VCV000096259.16), dbSNP rs398124439, ClinGen allele CA223872.